The following is an entry in ClinVar:

NM_004629.2(FANCG):c.908T>C (p.Leu303Pro)

Gene: FANCG (FA complementation group G; minus strand). Cytogenetic location: 9p13.3.
Variant type: single nucleotide variant.
Coding change: c.908T>C on transcript NM_004629.2 (MANE Select); coding-DNA position 908, T replaced by C.
Protein change: p.Leu303Pro; replaces leucine 303 with proline.
Molecular consequence: missense variant.
Genome position (GRCh38, 1-based): chr9:35,076,740, A>G on the plus strand (T>C on the coding strand, the complement: FANCG is on the minus strand). VCF-style: chr9-35076740-A-G. GRCh37 (hg19) VCF-style: chr9-35076737-A-G.
Other names: short protein forms L303P.
Identifiers: ClinVar variation 571355 (VCV000571355.15), dbSNP rs1563986439, ClinGen allele CA373312840.

ClinVar aggregate classification (germline): Pathogenic/Likely pathogenic. Review status: criteria provided, multiple submitters, no conflicts (2 of 4 stars). 5 submissions from 5 submitters: Pathogenic (1); Likely pathogenic (3). 1 of the submissions does not count toward it. Last evaluated 2025-10-06.

Conditions:
Fanconi anemia complementation group G. Also called: Fanconi anemia group G; FANCG-Related Fanconi Anemia. Identifiers: Orphanet 84, MedGen C3469527, MONDO:0013565, OMIM 614082.
FANCG-related disorders.
Fanconi anemia (FA). Also called: Fanconi's anemia. Identifiers: Orphanet 84, MedGen C0015625, MeSH D005199, MONDO:0019391.

Allele frequency attached by ClinVar (database versions not stated): TOPMed below 0.00001.

Submissions (5):

Natera, Inc.
Classification: Likely pathogenic for Fanconi anemia group G. Last evaluated: 2025-10-06. Review status: criteria provided, single submitter. Criteria: Natera Variant Classification Schema (03/2026). Collection method: clinical testing. Allele origin: germline.
Comment: The c.908T>C variant in FANCG is a missense variant predicted to cause substitution of leucine to proline at amino acid 303. This variant is rare in the general population with a frequency below the threshold expected for the associated phenotype(s). This variant has been observed in one or more individuals affected with the associated recessive disease, as either homozygous or compound heterozygous with a second variant (PMID: 31586946, 16084127). Additionally, this variant has been observed to segregate in affected family members (PMID: 12552564). Computational prediction algorithms indicate this variant is likely to affect gene or protein function. Given the available evidence, this variant is classified as Likely Pathogenic.

Labcorp Genetics (formerly Invitae), Labcorp
Classification: Pathogenic for Fanconi anemia. Last evaluated: 2025-07-17. Review status: criteria provided, single submitter. Criteria: Invitae Variant Classification Sherloc (09022015). Collection method: clinical testing. Allele origin: germline.
Comment: This sequence change replaces leucine, which is neutral and non-polar, with proline, which is neutral and non-polar, at codon 303 of the FANCG protein (p.Leu303Pro). This variant is not present in population databases (gnomAD no frequency). This missense change has been observed in individuals with clinical features of Fanconi anemia (PMID: 12552564, 33718801; internal data). ClinVar contains an entry for this variant (Variation ID: 571355). Invitae Evidence Modeling of protein sequence and biophysical properties (such as structural, functional, and spatial information, amino acid conservation, physicochemical variation, residue mobility, and thermodynamic stability) indicates that this missense variant is expected to disrupt FANCG protein function with a positive predictive value of 80%. For these reasons, this variant has been classified as Pathogenic.

Baylor Genetics
Classification: Likely pathogenic for Fanconi anemia complementation group G. Last evaluated: 2024-02-19. Review status: criteria provided, single submitter. Criteria: ACMG Guidelines, 2015. Collection method: clinical testing. Allele origin: unknown.

Blueprint Genetics
Classification: Likely pathogenic for FANCG-related disorders. Last evaluated: 2020-09-09. Review status: criteria provided, single submitter. Criteria: ACMG Guidelines, 2015. Collection method: clinical testing. Allele origin: germline. Affected: yes. Observed: 1 variant allele.

Leiden Open Variation Database
Classification: Pathogenic for Fanconi anemia complementation group G. Last evaluated: 2011-02-07. Review status: no assertion criteria provided. Collection method: curation. Allele origin: germline. Affected: yes. Not counted in ClinVar's aggregate classification.
Comment: Curator: Arleen D. Auerbach. Submitter to LOVD: Arleen D. Auerbach.

Literature cited by the submitters: PubMed 31586946 (cited by Natera, Inc.); PubMed 16084127 (cited by Natera, Inc. and Leiden Open Variation Database); PubMed 12552564 (cited by 3 submitters); PubMed 33718801 (cited by Labcorp Genetics (formerly Invitae), Labcorp).